The following is an entry in ClinVar:

NM_000159.4(GCDH):c.776C>T (p.Ser259Leu)

Gene: GCDH (glutaryl-CoA dehydrogenase; plus strand). Cytogenetic location: 19p13.13.
Variant type: single nucleotide variant.
Coding change: c.776C>T on transcript NM_000159.4 (MANE Select); coding-DNA position 776, C replaced by T.
Protein change: p.Ser259Leu; replaces serine 259 with leucine.
Molecular consequence: missense variant. On other transcripts: non-coding transcript variant (2).
Genome position (GRCh38, 1-based): chr19:12,896,345, C>T. VCF-style: chr19-12896345-C-T. GRCh37 (hg19) VCF-style: chr19-13007159-C-T.
Other names: c.776C>T, p.Ser259Leu (NM_013976.5); short protein forms S259L.
Identifiers: ClinVar variation 856699 (VCV000856699.10), dbSNP rs367699815, ClinGen allele CA9234484.

ClinVar aggregate classification (germline): Pathogenic/Likely pathogenic. Review status: criteria provided, multiple submitters, no conflicts (2 of 4 stars). 5 submissions from 5 submitters: Pathogenic (2); Likely pathogenic (3). Last evaluated 2024-03-01.

Conditions:
Glutaric aciduria, type 1. Also called: Glutaric Acidemia Type 1; Glutaryl-CoA dehydrogenase deficiency; GA I; Glutaric acidemia type I; Glutaricacidemia Type 1; Glutaricaciduria, type I. Identifiers: Orphanet 25, MedGen C0268595, MONDO:0009281, OMIM 231670.

Allele frequency attached by ClinVar (database versions not stated): ExAC 0.00001; TOPMed 0.00001; ESP Exome Variant Server 0.00008.
gnomAD v4.1: 8 of 1,614,166 alleles (0.0005%); highest among the groups gnomAD compares: Non-Finnish European, 0.00068%; no homozygotes.

Submissions (5):

Natera, Inc.
Classification: Likely pathogenic for Glutaric acidemia type 1. Last evaluated: 2024-03-01. Review status: criteria provided, single submitter. Criteria: Natera Variant Classification Schema (03/2026). Collection method: clinical testing. Allele origin: germline.
Comment: The c.776C>T variant in GCDH is a missense variant predicted to cause substitution of serine to leucine at amino acid 259. This variant is rare in the general population with a frequency below the threshold expected for the associated phenotype(s). This variant has been observed in one or more individuals affected with the associated recessive disease, as either homozygous or compound heterozygous with a second variant (PMID: 15505393). A different variant at the same position has been determined to be Pathogenic or Likely Pathogenic. Computational prediction algorithms indicate this variant is likely to affect gene or protein function. Given the available evidence, this variant is classified as Likely Pathogenic.

Baylor Genetics
Classification: Likely pathogenic for Glutaric aciduria, type 1. Last evaluated: 2024-02-12. Review status: criteria provided, single submitter. Criteria: ACMG Guidelines, 2015. Collection method: clinical testing. Allele origin: unknown.

Fulgent Genetics
Classification: Pathogenic for Glutaric aciduria, type 1. Last evaluated: 2024-01-23. Review status: criteria provided, single submitter. Criteria: ACMG Guidelines, 2015. Collection method: clinical testing. Allele origin: germline.

Labcorp Genetics (formerly Invitae), Labcorp
Classification: Pathogenic for Glutaric aciduria, type 1. Last evaluated: 2023-12-30. Review status: criteria provided, single submitter. Criteria: Invitae Variant Classification Sherloc (09022015). Collection method: clinical testing. Allele origin: germline.
Comment: This sequence change replaces serine, which is neutral and polar, with leucine, which is neutral and non-polar, at codon 259 of the GCDH protein (p.Ser259Leu). This variant is present in population databases (rs367699815, gnomAD 0.0009%). This missense change has been observed in individual(s) with glutaric aciduria type I (PMID: 15505393). ClinVar contains an entry for this variant (Variation ID: 856699). Advanced modeling of protein sequence and biophysical properties (such as structural, functional, and spatial information, amino acid conservation, physicochemical variation, residue mobility, and thermodynamic stability) has been performed at Invitae for this missense variant, however the output from this modeling did not meet the statistical confidence thresholds required to predict the impact of this variant on GCDH protein function. This variant disrupts the p.Ser259 amino acid residue in GCDH. Other variant(s) that disrupt this residue have been determined to be pathogenic (PMID: 28438223, 30570710). This suggests that this residue is clinically significant, and that variants that disrupt this residue are likely to be disease-causing. For these reasons, this variant has been classified as Pathogenic.

Women's Health and Genetics/Laboratory Corporation of America, LabCorp
Classification: Likely pathogenic for Glutaric aciduria, type 1. Last evaluated: 2023-12-11. Review status: criteria provided, single submitter. Criteria: LabCorp Variant Classification Summary - May 2015. Collection method: clinical testing. Allele origin: germline.
Comment: Variant summary: GCDH c.776C>T (p.Ser259Leu) results in a non-conservative amino acid change located in the Acyl-CoA oxidase/dehydrogenase, middle domain (IPR006091) of the encoded protein sequence. Five of five in-silico tools predict a damaging effect of the variant on protein function. The variant was absent in 251250 control chromosomes (gnomAD). c.776C>T has been reported in the literature in individuals affected with Glutaric Acidemia Type 1 (example: Christensen_2004). A different variant affecting the same residue (p.Ser259Pro) has been classified pathogenic in ClinVar. These data indicate that the variant may be associated with disease. To our knowledge, no experimental evidence demonstrating an impact on protein function has been reported. The following publication has been ascertained in the context of this evaluation (PMID: 15505393). One submitter has cited clinical-significance assessments for this variant to ClinVar after 2014 and has classified the variant as pathogenic. Based on the evidence outlined above, the variant was classified as likely pathogenic.

Literature cited by the submitters: PubMed 15505393 (cited by 3 submitters); PubMed 28438223 (cited by Labcorp Genetics (formerly Invitae), Labcorp); PubMed 30570710 (cited by Labcorp Genetics (formerly Invitae), Labcorp).